The following is an entry in ClinVar:

NM_003754.3(EIF3F):c.134C>T (p.Ser45Leu)

Gene: EIF3F (eukaryotic translation initiation factor 3 subunit F; plus strand). Cytogenetic location: 11p15.4.
Variant type: single nucleotide variant.
Coding change: c.134C>T on transcript NM_003754.3 (MANE Select); coding-DNA position 134, C replaced by T.
Protein change: p.Ser45Leu; replaces serine 45 with leucine.
Molecular consequence: missense variant.
Genome position (GRCh38, 1-based): chr11:7,987,486, C>T. VCF-style: chr11-7987486-C-T. GRCh37 (hg19) VCF-style: chr11-8009033-C-T.
Other names: short protein forms S45L.
Identifiers: ClinVar variation 3033107 (VCV003033107.3), dbSNP rs201444896, ClinGen allele CA5870418.

ClinVar aggregate classification (germline): Likely benign. Review status: criteria provided, single submitter (1 of 4 stars). 2 submissions from 2 submitters: Likely benign (1). 1 of the submissions does not count toward it. Last evaluated 2024-11-27.

Conditions:
EIF3F-related disorder. Also called: EIF3F-related condition.

Allele frequency attached by ClinVar (database versions not stated): 1000 Genomes Project 30x 0.00016; 1000 Genomes Project 0.00020; gnomAD exomes 0.00052; gnomAD 0.00056; TOPMed 0.00060; ExAC 0.00075.
gnomAD v4.1: 913 of 1,606,384 alleles (0.057%); highest among the groups gnomAD compares: Non-Finnish European, 0.0098%; 4 homozygotes.

Submissions (2):

Blueprint Genetics
Classification: Likely benign. Last evaluated: 2024-11-27. Review status: criteria provided, single submitter. Criteria: ACMG Guidelines, 2015. Collection method: clinical testing. Allele origin: germline.

PreventionGenetics, part of Exact Sciences
Classification: Benign for EIF3F-related condition. Last evaluated: 2019-06-17. Review status: no assertion criteria provided. Collection method: clinical testing. Allele origin: germline. Not counted in ClinVar's aggregate classification.
Comment: This variant is classified as benign based on ACMG/AMP sequence variant interpretation guidelines (Richards et al. 2015 PMID: 25741868, with internal and published modifications).